The following is an entry in ClinVar:

NM_032112.3(MRPL43):c.54A>G (p.Gly18=)

Gene: MRPL43 (mitochondrial ribosomal protein L43; minus strand). Cytogenetic location: 10q24.31.
Variant type: single nucleotide variant.
Coding change: c.54A>G on transcript NM_032112.3 (MANE Select); coding-DNA position 54, A replaced by G.
Protein change: p.Gly18=; no amino-acid change (glycine 18 retained).
Molecular consequence: synonymous variant.
Genome position (GRCh38, 1-based): chr10:100,987,390, T>C on the plus strand (A>G on the coding strand, the complement: MRPL43 is on the minus strand). VCF-style: chr10-100987390-T-C. GRCh37 (hg19) VCF-style: chr10-102747147-T-C.
Other names: c.54A>G, p.Gly18= (NM_001308396.2, NM_001394981.1, NM_001394982.1 and 5 more transcripts).
Identifiers: ClinVar variation 4875265 (VCV004875265.2).

ClinVar aggregate classification (germline): Likely benign (1 of 4 stars; one submission).

gnomAD v4.1: 1 of 1,612,620 alleles (0.000062%); highest among the groups gnomAD compares: Admixed American, 0.0017%; no homozygotes.

Submission:

CeGaT Center for Human Genetics Tuebingen
Classification: Likely benign. Last evaluated: 2026-06-01. Review status: criteria provided, single submitter. Criteria: CeGaT Center For Human Genetics Tuebingen Variant Classification Criteria Version 2. Collection method: clinical testing. Allele origin: germline. Affected: yes. Observed: 1 variant allele.
Comment: MRPL43: BP4, BP7